The following is an entry in ClinVar:

ClinVar aggregate classification (germline): Uncertain significance. Review status: criteria provided, multiple submitters, no conflicts (2 of 4 stars). 2 submissions from 2 submitters: Uncertain significance (2). Last evaluated 2024-06-05.

Submissions (2):

Ambry Genetics
Classification: Uncertain significance. Last evaluated: 2024-06-05. Review status: criteria provided, single submitter. Criteria: Ambry Variant Classification Scheme 2023. Collection method: clinical testing. Allele origin: germline.

Labcorp Genetics (formerly Invitae), Labcorp
Classification: Uncertain significance. Last evaluated: 2023-08-10. Review status: criteria provided, single submitter. Criteria: Invitae Variant Classification Sherloc (09022015). Collection method: clinical testing. Allele origin: germline.
Comment: In summary, the available evidence is currently insufficient to determine the role of this variant in disease. Therefore, it has been classified as a Variant of Uncertain Significance. Algorithms developed to predict the effect of missense changes on protein structure and function output the following: SIFT: "Not Available"; PolyPhen-2: "Benign"; Align-GVGD: "Not Available". The isoleucine amino acid residue is found in multiple mammalian species, which suggests that this missense change does not adversely affect protein function. ClinVar contains an entry for this variant (Variation ID: 2156884). This variant has not been reported in the literature in individuals affected with KLF10-related conditions. This variant is not present in population databases (gnomAD no frequency). This sequence change replaces methionine, which is neutral and non-polar, with isoleucine, which is neutral and non-polar, at codon 18 of the KLF10 protein (p.Met18Ile).

NM_005655.4(KLF10):c.54G>T (p.Met18Ile)

Gene: KLF10 (KLF transcription factor 10; minus strand). Cytogenetic location: 8q22.3.
Variant type: single nucleotide variant.
Coding change: c.54G>T on transcript NM_005655.4 (MANE Select); coding-DNA position 54, G replaced by T.
Protein change: p.Met18Ile; replaces methionine 18 with isoleucine.
Molecular consequence: missense variant. On other transcripts: non-coding transcript variant (2).
Genome position (GRCh38, 1-based): chr8:102,652,380, C>A on the plus strand (G>T on the coding strand, the complement: KLF10 is on the minus strand). VCF-style: chr8-102652380-C-A. GRCh37 (hg19) VCF-style: chr8-103664608-C-A.
Other names: c.54G>T (NM_005655.2); c.21G>T, p.Met7Ile (NM_001032282.4); short protein forms M18I, M7I.
Identifiers: ClinVar variation 2156884 (VCV002156884.5), dbSNP rs370066425, ClinGen allele CA371631071.